The following is an entry in ClinVar:

ClinVar aggregate classification (germline): Uncertain significance (1 of 4 stars; one submission).

Allele frequency attached by ClinVar (database versions not stated): TOPMed 0.00001.
gnomAD v4.1: 1 of 1,614,192 alleles (0.000062%); highest among the groups gnomAD compares: African/African-American, 0.0013%; no homozygotes.

Submission:

Labcorp Genetics (formerly Invitae), Labcorp
Classification: Uncertain significance. Last evaluated: 2022-02-24. Review status: criteria provided, single submitter. Criteria: Invitae Variant Classification Sherloc (09022015). Collection method: clinical testing. Allele origin: germline.
Comment: Algorithms developed to predict the effect of missense changes on protein structure and function (SIFT, PolyPhen-2, Align-GVGD) all suggest that this variant is likely to be tolerated. This sequence change replaces glycine, which is neutral and non-polar, with aspartic acid, which is acidic and polar, at codon 1649 of the GPR179 protein (p.Gly1649Asp). This variant is not present in population databases (gnomAD no frequency). This variant has not been reported in the literature in individuals affected with GPR179-related conditions. In summary, the available evidence is currently insufficient to determine the role of this variant in disease. Therefore, it has been classified as a Variant of Uncertain Significance.

NM_001004334.4(GPR179):c.4946G>A (p.Gly1649Asp)

Gene: GPR179 (G protein-coupled receptor 179; minus strand). Cytogenetic location: 17q12.
Variant type: single nucleotide variant.
Coding change: c.4946G>A on transcript NM_001004334.4 (MANE Select); coding-DNA position 4946, G replaced by A.
Protein change: p.Gly1649Asp; replaces glycine 1649 with aspartic acid.
Molecular consequence: missense variant.
Genome position (GRCh38, 1-based): chr17:38,328,623, C>T on the plus strand (G>A on the coding strand, the complement: GPR179 is on the minus strand). VCF-style: chr17-38328623-C-T. GRCh37 (hg19) VCF-style: chr17-36484506-C-T.
Other names: short protein forms G1649D.
Identifiers: ClinVar variation 1356928 (VCV001356928.8), dbSNP rs1049146889, ClinGen allele CA290103828.